The following is an entry in ClinVar:

NM_004407.4(DMP1):c.373G>A (p.Asp125Asn)

Genes: DMP1 (dentin matrix acidic phosphoprotein 1; plus strand), DMP1-AS1 (DMP1 and DSPP antisense RNA 1; minus strand). Cytogenetic location: 4q22.1.
Variant type: single nucleotide variant.
Coding change: c.373G>A on transcript NM_004407.4 (MANE Select); coding-DNA position 373, G replaced by A.
Protein change: p.Asp125Asn; replaces aspartic acid 125 with asparagine.
Molecular consequence: missense variant.
Genome position (GRCh38, 1-based): chr4:87,662,151, G>A. VCF-style: chr4-87662151-G-A. GRCh37 (hg19) VCF-style: chr4-88583303-G-A.
Other names: c.325G>A, p.Asp109Asn (NM_001079911.3); short protein forms D125N, D109N.
Identifiers: ClinVar variation 2128842 (VCV002128842.4), dbSNP rs2475942194, ClinGen allele CA357698807.

ClinVar aggregate classification (germline): Uncertain significance (1 of 4 stars; one submission).

Allele frequency attached by ClinVar (database versions not stated): gnomAD exomes below 0.00001.
gnomAD v4.1: 1 of 1,614,204 alleles (0.000062%); highest among the groups gnomAD compares: Non-Finnish European, 0.000085%; no homozygotes.

Submission:

Labcorp Genetics (formerly Invitae), Labcorp
Classification: Uncertain significance. Last evaluated: 2022-04-29. Review status: criteria provided, single submitter. Criteria: Invitae Variant Classification Sherloc (09022015). Collection method: clinical testing. Allele origin: germline.
Comment: Algorithms developed to predict the effect of missense changes on protein structure and function are either unavailable or do not agree on the potential impact of this missense change (SIFT: "Deleterious"; PolyPhen-2: "Possibly Damaging"; Align-GVGD: "Class C0"). This variant has not been reported in the literature in individuals affected with DMP1-related conditions. This variant is not present in population databases (gnomAD no frequency). This sequence change replaces aspartic acid, which is acidic and polar, with asparagine, which is neutral and polar, at codon 125 of the DMP1 protein (p.Asp125Asn). In summary, the available evidence is currently insufficient to determine the role of this variant in disease. Therefore, it has been classified as a Variant of Uncertain Significance.